The following is an entry in ClinVar:

ClinVar aggregate classification (germline): Pathogenic (1 of 4 stars; one submission).

Conditions:
Hereditary breast ovarian cancer syndrome. Also called: Hereditary breast and/or ovarian cancer syndrome; BRCA1- and BRCA2-Associated Hereditary Breast and Ovarian Cancer; Hereditary breast and ovarian cancer syndrome; Hereditary breast and ovarian cancer; Hereditary breast and ovarian cancer syndrome (HBOC); Breast and ovarian cancer. Identifiers: Orphanet 145, MedGen C0677776, MeSH D061325, MONDO:0003582. Disease mechanism: loss of function.

Submissions (2):

Labcorp Genetics (formerly Invitae), Labcorp
Classification: Pathogenic for Hereditary breast ovarian cancer syndrome. Last evaluated: 2024-04-29. Review status: criteria provided, single submitter. Criteria: Invitae Variant Classification Sherloc (09022015). Collection method: clinical testing. Allele origin: germline.
Comment: This sequence change replaces arginine, which is basic and polar, with serine, which is neutral and polar, at codon 1753 of the BRCA1 protein (p.Arg1753Ser). This variant is not present in population databases (gnomAD no frequency). A different variant (c.5259A>T) giving rise to the same protein effect has been determined to be pathogenic (PMID: 30209399, 30765603). This suggests that this variant is also likely to be causative of disease. ClinVar contains an entry for this variant (Variation ID: 865211). Advanced modeling performed at Invitae incorporating data from internal and/or published experimental studies (PMID: 30209399) indicates that this missense variant is expected to disrupt BRCA1 function with a positive predictive value of 95%. This variant disrupts the p.Arg1753 amino acid residue in BRCA1. Other variant(s) that disrupt this residue have been determined to be pathogenic (PMID: 20516115, 23867111, 25066507). This suggests that this residue is clinically significant, and that variants that disrupt this residue are likely to be disease-causing. For these reasons, this variant has been classified as Pathogenic.

Brotman Baty Institute, University of Washington
No classification provided (evidence only). Condition: Breast-ovarian cancer, familial 1. Review status: no classification provided. Collection method: in vitro. Allele origin: not applicable. Functional consequence: functionally_abnormal. Not counted in ClinVar's aggregate classification.
ClinVar note: "not provided" was previously submitted as the classification for the variant. However, the classification appeared to be based only on an observation of functional data so it was converted to no classification on 2025-07-30.

Literature cited by the submitters: PubMed 30209399 (cited by Labcorp Genetics (formerly Invitae), Labcorp); PubMed 30765603 (cited by Labcorp Genetics (formerly Invitae), Labcorp); PubMed 20516115 (cited by Labcorp Genetics (formerly Invitae), Labcorp); PubMed 23867111 (cited by Labcorp Genetics (formerly Invitae), Labcorp); PubMed 25066507 (cited by Labcorp Genetics (formerly Invitae), Labcorp).

NM_007294.4(BRCA1):c.5259A>C (p.Arg1753Ser)

Gene: BRCA1 (BRCA1 DNA repair associated; minus strand). Cytogenetic location: 17q21.31.
Variant type: single nucleotide variant.
Coding change: c.5259A>C on transcript NM_007294.4 (MANE Select); coding-DNA position 5259, A replaced by C.
Protein change: p.Arg1753Ser; replaces arginine 1753 with serine.
Molecular consequence: missense variant. On other transcripts: non-coding transcript variant (1).
Genome position (GRCh38, 1-based): chr17:43,057,070, T>G on the plus strand (A>C on the coding strand, the complement: BRCA1 is on the minus strand). VCF-style: chr17-43057070-T-G. GRCh37 (hg19) VCF-style: chr17-41209087-T-G.
Other names: c.5046A>C, p.Arg1682Ser (NM_001407571.1, NM_001407900.1, NM_001407902.1 and 12 more transcripts); c.5325A>C, p.Arg1775Ser (NM_001407581.1, NM_001407582.1); c.5322A>C, p.Arg1774Ser (NM_001407583.1, NM_001407585.1, NM_001407587.1 and 1 more transcripts); c.5256A>C, p.Arg1752Ser (NM_001407610.1, NM_001407611.1, NM_001407612.1 and 17 more transcripts); c.5253A>C, p.Arg1751Ser (NM_001407629.1, NM_001407630.1, NM_001407631.1 and 14 more transcripts); c.5199A>C, p.Arg1733Ser (NM_001407649.1); c.5181A>C, p.Arg1727Ser (NM_001407652.1, NM_001407653.1, NM_001407654.1 and 1 more transcripts); c.5178A>C, p.Arg1726Ser (NM_001407656.1, NM_001407657.1, NM_001407658.1); and 72 more; short protein forms R649S, R1774S, R1706S, R1753S, R1457S, R1640S, R1642S, R1665S.
Identifiers: ClinVar variation 865211 (VCV000865211.6), dbSNP rs771577266, ClinGen allele CA10591037.